The following is an entry in ClinVar:

ClinVar aggregate classification (germline): Likely benign (0 of 4 stars; one submission).

Conditions:
DARS1-related disorder. Also called: DARS1-related condition.

Submission:

PreventionGenetics, part of Exact Sciences
Classification: Likely benign for DARS1-related condition. Last evaluated: 2022-10-17. Review status: no assertion criteria provided. Collection method: clinical testing. Allele origin: germline.
Comment: This variant is classified as likely benign based on ACMG/AMP sequence variant interpretation guidelines (Richards et al. 2015 PMID: 25741868, with internal and published modifications).

NM_001349.4(DARS1):c.505-2dup

Gene: DARS1 (aspartyl-tRNA synthetase 1; minus strand). Cytogenetic location: 2q21.3.
Variant type: Duplication.
Coding change: c.505-2dup on transcript NM_001349.4 (MANE Select); the canonical splice acceptor site of the intron before coding-DNA position 505, one base duplicated (A; older notation c.505-2dupA).
Molecular consequence: splice acceptor variant.
Genome position (GRCh38, 1-based): chr2:135,932,844, T duplicated on the plus strand (A on the coding strand, the reverse complement: DARS1 is on the minus strand). VCF-style (leftmost placement, unchanged base first): chr2-135932843-C-CT. GRCh37 (hg19) VCF-style: chr2-136690413-C-CT.
Other names: c.205-2dup (NM_001293312.1).
Identifiers: ClinVar variation 3046601 (VCV003046601.2), dbSNP rs2467381144, ClinGen allele CA2661283769.